The following is an entry in ClinVar:

NM_000216.4(ANOS1):c.484A>G (p.Lys162Glu)

Gene: ANOS1 (anosmin 1; minus strand). Cytogenetic location: Xp22.31.
Variant type: single nucleotide variant.
Coding change: c.484A>G on transcript NM_000216.4 (MANE Select); coding-DNA position 484, A replaced by G.
Protein change: p.Lys162Glu; replaces lysine 162 with glutamic acid.
Molecular consequence: missense variant.
Genome position (GRCh38, 1-based): chrX:8,597,091, T>C on the plus strand (A>G on the coding strand, the complement: ANOS1 is on the minus strand). VCF-style: chrX-8597091-T-C. GRCh37 (hg19) VCF-style: chrX-8565132-T-C.
Other names: short protein forms K162E.
Identifiers: ClinVar variation 2629928 (VCV002629928.1), dbSNP rs2518500168, ClinGen allele CA412024928.

ClinVar aggregate classification (germline): Uncertain significance (1 of 4 stars; one submission).

Conditions:
ANOS1-related disorder. Also called: ANOS1-related condition.

Submission:

PreventionGenetics, part of Exact Sciences
Classification: Uncertain significance for ANOS1-related condition. Last evaluated: 2023-01-19. Review status: criteria provided, single submitter. Criteria: ACMG Guidelines, 2015. Collection method: clinical testing. Allele origin: germline.
Comment: The ANOS1 c.484A>G variant is predicted to result in the amino acid substitution p.Lys162Glu. To our knowledge, this variant has not been reported in the literature or in a large population database, indicating this variant is rare. At this time, the clinical significance of this variant is uncertain due to the absence of conclusive functional and genetic evidence.